The following is an entry in ClinVar:

NM_001079.4(ZAP70):c.-100-14G>A

Gene: ZAP70 (zeta chain of T cell receptor associated protein kinase 70; plus strand). Cytogenetic location: 2q11.2.
Variant type: single nucleotide variant.
Coding change: c.-100-14G>A on transcript NM_001079.4 (MANE Select); 14 bases into the intron before 100 bases upstream of the start codon, G replaced by A.
Molecular consequence: intron variant. On other transcripts: 5 prime UTR variant (1).
Genome position (GRCh38, 1-based): chr2:97,713,902, G>A. VCF-style: chr2-97713902-G-A. GRCh37 (hg19) VCF-style: chr2-98330365-G-A.
Other names: c.-114G>A (NM_001378594.1).
Identifiers: ClinVar variation 517870 (VCV000517870.1), dbSNP rs201913664, ClinGen allele CA52545085.

ClinVar aggregate classification (germline): Likely benign (1 of 4 stars; one submission).

Allele frequency attached by ClinVar (database versions not stated): gnomAD 0.00004; TOPMed 0.00004.

Submission:

GeneDx
Classification: Likely benign. Last evaluated: 2017-05-25. Review status: criteria provided, single submitter. Criteria: GeneDx Variant Classification (06012015). Collection method: clinical testing. Allele origin: germline. Affected: yes.
Comment: This variant is considered likely benign or benign based on one or more of the following criteria: it is a conservative change, it occurs at a poorly conserved position in the protein, it is predicted to be benign by multiple in silico algorithms, and/or has population frequency not consistent with disease.